The following is an entry in ClinVar:

NM_000092.5(COL4A4):c.114+1G>T

Gene: COL4A4 (collagen type IV alpha 4 chain; minus strand). Cytogenetic location: 2q36.3.
Variant type: single nucleotide variant.
Coding change: c.114+1G>T on transcript NM_000092.5 (MANE Select); the canonical splice donor site of the intron after coding-DNA position 114, G replaced by T.
Molecular consequence: splice donor variant.
Genome position (GRCh38, 1-based): chr2:227,144,515, C>A on the plus strand (G>T on the coding strand, the complement: COL4A4 is on the minus strand). VCF-style: chr2-227144515-C-A. GRCh37 (hg19) VCF-style: chr2-228009231-C-A.
Identifiers: ClinVar variation 1494910 (VCV001494910.6), dbSNP rs1553712110, ClinGen allele CA350842640.

ClinVar aggregate classification (germline): Likely pathogenic (1 of 4 stars; one submission).

Submission:

Labcorp Genetics (formerly Invitae), Labcorp
Classification: Likely pathogenic. Last evaluated: 2021-09-15. Review status: criteria provided, single submitter. Criteria: Invitae Variant Classification Sherloc (09022015). Collection method: clinical testing. Allele origin: germline.
Comment: This sequence change affects a donor splice site in intron 3 of the COL4A4 gene. It is expected to disrupt RNA splicing. Variants that disrupt the donor or acceptor splice site typically lead to a loss of protein function (PMID: 16199547), and loss-of-function variants in COL4A4 are known to be pathogenic (PMID: 21196518, 24854265, 25307543). This variant is not present in population databases (ExAC no frequency). This variant has not been reported in the literature in individuals affected with COL4A4-related conditions. Algorithms developed to predict the effect of sequence changes on RNA splicing suggest that this variant may disrupt the consensus splice site. In summary, the currently available evidence indicates that the variant is pathogenic, but additional data are needed to prove that conclusively. Therefore, this variant has been classified as Likely Pathogenic.

Literature cited by the submitters: PubMed 16199547; PubMed 21196518; PubMed 24854265; PubMed 25307543.